The following is an entry in ClinVar:

ClinVar aggregate classification (germline): Pathogenic (1 of 4 stars; one submission).

Submission:

GeneDx
Classification: Pathogenic. Last evaluated: 2017-12-01. Review status: criteria provided, single submitter. Criteria: GeneDx Variant Classification (06012015). Collection method: clinical testing. Allele origin: germline. Affected: yes.
Comment: The c.1A>T variant in the CASK gene has not been reported previously as a pathogenic variant nor as a benign variant, to our knowledge. As the c.1A>T variant changes the translation initiator Methionine codon, the resultant protein is described as p.Met1?, using a question mark to signify that it is not known if the loss of Met1 means that all protein translation is completely prevented or if an abnormal protein is produced using an alternate Methionine. The c.1A>T variant is not observed in large population cohorts (Lek et al., 2016). We interpret c.1A>T as a pathogenic variant.

NM_001367721.1(CASK):c.1A>T (p.Met1Leu)

Gene: CASK (calcium/calmodulin dependent serine protein kinase; minus strand). Cytogenetic location: Xp11.4.
Variant type: single nucleotide variant.
Coding change: c.1A>T on transcript NM_001367721.1 (MANE Select); coding-DNA position 1, A replaced by T.
Protein change: p.Met1Leu; changes the start codon (methionine 1).
Molecular consequence: missense variant, initiator codon variant.
Genome position (GRCh38, 1-based): chrX:41,922,988, T>A on the plus strand (A>T on the coding strand, the complement: CASK is on the minus strand). VCF-style: chrX-41922988-T-A. GRCh37 (hg19) VCF-style: chrX-41782241-T-A.
Other names: c.1A>T, p.Met1Leu (NM_001126054.3, NM_001126055.3, NM_001410745.1 and 1 more transcripts); short protein forms M1L.
Identifiers: ClinVar variation 489154 (VCV000489154.2), dbSNP rs1556313516, ClinGen allele CA413002025.